The following is an entry in ClinVar:

ClinVar aggregate classification (germline): Uncertain significance (1 of 4 stars; one submission).

gnomAD v4.1: 1 of 1,608,564 alleles (0.000062%); highest among the groups gnomAD compares: South Asian, 0.0011%; no homozygotes.

Submission:

Women's Health and Genetics/Laboratory Corporation of America, LabCorp
Classification: Uncertain significance. Last evaluated: 2025-02-24. Review status: criteria provided, single submitter. Criteria: LabCorp Variant Classification Summary - May 2015. Collection method: clinical testing. Allele origin: germline.
Comment: Variant summary: SBF1 c.5038C>G (p.Leu1680Val) results in a conservative amino acid change in the encoded protein sequence. Three of five in-silico tools predict a damaging effect of the variant on protein function. The variant was absent in 240216 control chromosomes (gnomAD). The available data on variant occurrences in the general population are insufficient to allow any conclusion about variant significance. To our knowledge, no occurrence of c.5038C>G in individuals affected with Charcot-Marie-Tooth disease type 4B3 and no experimental evidence demonstrating its impact on protein function have been reported. No submitters have cited clinical-significance assessments for this variant to ClinVar. Based on the evidence outlined above, the variant was classified as uncertain significance.

NM_002972.4(SBF1):c.5038C>G (p.Leu1680Val)

Gene: SBF1 (SET binding factor 1; minus strand). Cytogenetic location: 22q13.33.
Variant type: single nucleotide variant.
Coding change: c.5038C>G on transcript NM_002972.4 (MANE Select); coding-DNA position 5038, C replaced by G.
Protein change: p.Leu1680Val; replaces leucine 1680 with valine.
Molecular consequence: missense variant.
Genome position (GRCh38, 1-based): chr22:50,454,517, G>C on the plus strand (C>G on the coding strand, the complement: SBF1 is on the minus strand). VCF-style: chr22-50454517-G-C. GRCh37 (hg19) VCF-style: chr22-50892946-G-C.
Other names: c.4963C>G, p.Leu1655Val (NM_001365819.1); c.5041C>G, p.Leu1681Val (NM_001410794.1); c.4960C>G, p.Leu1654Val (NM_001410795.1); short protein forms L1654V, L1655V, L1680V, L1681V.
Identifiers: ClinVar variation 3768842 (VCV003768842.1).